The following is an entry in ClinVar:

NM_003587.5(DHX16):c.2706T>C (p.Phe902=)

Gene: DHX16 (DEAH-box helicase 16; minus strand). Cytogenetic location: 6p21.33.
Variant type: single nucleotide variant.
Coding change: c.2706T>C on transcript NM_003587.5 (MANE Select); coding-DNA position 2706, T replaced by C.
Protein change: p.Phe902=; no amino-acid change (phenylalanine 902 retained).
Molecular consequence: synonymous variant.
Genome position (GRCh38, 1-based): chr6:30,655,292, A>G on the plus strand (T>C on the coding strand, the complement: DHX16 is on the minus strand). VCF-style: chr6-30655292-A-G. GRCh37 (hg19) VCF-style: chr6-30623069-A-G.
Other names: c.2526T>C, p.Phe842= (NM_001164239.2); c.1263T>C, p.Phe421= (NM_001363515.2).
Identifiers: ClinVar variation 3056294 (VCV003056294.2), dbSNP rs34057232, ClinGen allele CA3700875.

ClinVar aggregate classification (germline): Benign (0 of 4 stars; one submission).

Conditions:
DHX16-related disorder. Also called: DHX16-related condition.

Allele frequency attached by ClinVar (database versions not stated): 1000 Genomes Project 0.00359; 1000 Genomes Project 30x 0.00437; TOPMed 0.01008; gnomAD 0.01135; ExAC 0.01211; ESP Exome Variant Server 0.01322; gnomAD exomes 0.01646.
gnomAD v4.1: 25,568 of 1,614,166 alleles (1.6%); highest among the groups gnomAD compares: Non-Finnish European, 1.9%; 268 homozygotes.

Submission:

PreventionGenetics, part of Exact Sciences
Classification: Benign for DHX16-related condition. Last evaluated: 2021-09-13. Review status: no assertion criteria provided. Collection method: clinical testing. Allele origin: germline.
Comment: This variant is classified as benign based on ACMG/AMP sequence variant interpretation guidelines (Richards et al. 2015 PMID: 25741868, with internal and published modifications).